The following is an entry in ClinVar:

NM_022455.5(NSD1):c.2996_2997insTTAA (p.Leu999_Ser1000insTer)

Gene: NSD1 (nuclear receptor binding SET domain protein 1; plus strand). Cytogenetic location: 5q35.3.
Variant type: Insertion.
Coding change: c.2996_2997insTTAA on transcript NM_022455.5 (MANE Select); coding-DNA positions 2996 to 2997, TTAA inserted.
Protein change: p.Leu999_Ser1000insTer.
Molecular consequence: nonsense, inframe insertion. On other transcripts: frameshift variant (11).
Genome position: GRCh38 VCF-style: chr5-177211395-T-TTTAA. GRCh37 (hg19) VCF-style: chr5-176638396-T-TTTAA.
Other names: c.2123_2124insTTAA, p.Ser709Terfs (NM_001365684.2, NM_001409306.1, NM_001409307.1 and 3 more transcripts); c.2996_2997insTTAA, p.Ser1000Terfs (NM_001409301.1, NM_001409302.1, NM_001409303.1); c.2576_2577insTTAA, p.Ser860Terfs (NM_001409304.1); c.2243_2244insTTAA, p.Ser749Terfs (NM_001409305.1).
Identifiers: ClinVar variation 419060 (VCV000419060.2), dbSNP rs1064793616, ClinGen allele CA16618170.
Genomic context (GRCh38, chr5:177,211,395, plus strand): 5'-GCCCTAGTGGGGGTGACTCTGCATTATCTGGCGAGTTGTCTGCTTCCCTACCTGGCTTAC[T>TTTAA]GTCCGACAAGAGAGACCTCCCTGCTTCTGGTAAAAGTCGTTCAGACTGTGTTACTAGGCG-3'

ClinVar aggregate classification (germline): Pathogenic (1 of 4 stars; one submission).

Submission:

GeneDx
Classification: Pathogenic. Last evaluated: 2015-05-12. Review status: criteria provided, single submitter. Criteria: GeneDx Variant Classification (06012015). Collection method: clinical testing. Allele origin: germline. Affected: yes.
Comment: The S1000X nonsense variant in the NSD1 gene is predicted to cause loss of normal protein functioneither through protein truncation or nonsense-mediated mRNA decay. It was not observed inapproximately 6,500 individuals of European and African American ancestry in the NHLBI ExomeSequencing Project, indicating it is not a common benign variant in these populations. Although thisvariant has not been reported previously to our knowledge, we consider it to be pathogenic.